The following is an entry in ClinVar:

ClinVar aggregate classification (germline): Uncertain significance (1 of 4 stars; one submission).

Submission:

GeneDx
Classification: Uncertain significance. Last evaluated: 2026-02-19. Review status: criteria provided, single submitter. Criteria: GeneDx Variant Classification Process June 2021. Collection method: clinical testing. Allele origin: germline. Affected: yes.
Comment: Not observed at significant frequency in large population cohorts (gnomAD); In silico analysis supports a deleterious effect on splicing; Has not been previously published as pathogenic or benign to our knowledge

NM_001378452.1(ITPR1):c.4842+3A>C

Genes: BRRIAR (BHLHE40 and RIG-I regulating ITPR1 antisense RNA; minus strand), ITPR1 (inositol 1,4,5-trisphosphate receptor type 1; plus strand). Cytogenetic location: 3p26.1.
Variant type: single nucleotide variant.
Coding change: c.4842+3A>C on transcript NM_001378452.1 (MANE Select); 3 bases into the intron after coding-DNA position 4842, A replaced by C.
Molecular consequence: intron variant.
Genome position (GRCh38, 1-based): chr3:4,706,354, A>C. VCF-style: chr3-4706354-A-C. GRCh37 (hg19) VCF-style: chr3-4748038-A-C.
Other names: c.4815+3A>C (NM_001099952.4); c.4797+3A>C (NM_001168272.2); c.4770+3A>C (NM_002222.7).
Identifiers: ClinVar variation 2505762 (VCV002505762.2), dbSNP rs2469865652, ClinGen allele CA2580614124.
Genomic context (GRCh38, chr3:4,706,354, plus strand): 5'-CAGGGACTCTGTTCTGGCAGCTTCCAGAGACTACCGGAATATCATTGAGAGATTGCAGGT[A>C]ATGCCTGGTGTTGAGAGAAGTGATGCTTAGCCTGGCCTCACGTGATTGCCACACACAGCA-3'